The following is an entry in ClinVar:

ClinVar aggregate classification (germline): Pathogenic. Review status: criteria provided, multiple submitters, no conflicts (2 of 4 stars). 7 submissions from 7 submitters: Pathogenic (7). Last evaluated 2025-12-31.

Conditions:
Hereditary cancer-predisposing syndrome. Also called: Tumor predisposition; Neoplastic Syndromes, Hereditary; Hereditary Cancer Syndrome; Hereditary neoplastic syndrome. Identifiers: Orphanet 140162, MedGen C0027672, MeSH D009386, MONDO:0015356.
Birt-Hogg-Dube syndrome. Also called: Birt Hogg Dubé syndrome. Identifiers: Orphanet 122, MedGen C0346010, MONDO:0800444.

Submissions (7):

Labcorp Genetics (formerly Invitae), Labcorp
Classification: Pathogenic for Birt-Hogg-Dube syndrome. Last evaluated: 2025-12-31. Review status: criteria provided, single submitter. Criteria: Invitae Variant Classification Sherloc (09022015). Collection method: clinical testing. Allele origin: germline.
Comment: This sequence change creates a premature translational stop signal (p.Phe435Leufs*33) in the FLCN gene. It is expected to result in an absent or disrupted protein product. Loss-of-function variants in FLCN are known to be pathogenic (PMID: 15852235). This variant is not present in population databases (gnomAD no frequency). This premature translational stop signal has been observed in individual(s) with Birt-Hogg-Dubé syndrome (PMID: 15852235). This variant is also known as c.1758delT. ClinVar contains an entry for this variant (Variation ID: 96475). For these reasons, this variant has been classified as Pathogenic.

Ambry Genetics
Classification: Pathogenic for Hereditary cancer-predisposing syndrome. Last evaluated: 2024-04-23. Review status: criteria provided, single submitter. Criteria: Ambry Variant Classification Scheme 2023. Collection method: clinical testing. Allele origin: germline.
Comment: The c.1305delT pathogenic mutation, located in coding exon 9 of the FLCN gene, results from a deletion of one nucleotide at nucleotide position 1305, causing a translational frameshift with a predicted alternate stop codon (p.P435Lfs*33). This mutation has been described in a patient with Birt&ndash;Hogg&ndash;Dube syndrome (BHD) who had a personal history of fibrofolliculoma, renal tumor, lung cyst, and pneumothorax, and no family history of BHD (Schmidt LS et al. Am. J. Hum. Genet. 2005 Jun; 76(6):1023-33). This variant is considered to be rare based on population cohorts in the Genome Aggregation Database (gnomAD). In addition to the clinical data presented in the literature, this alteration is expected to result in loss of function by premature protein truncation or nonsense-mediated mRNA decay. As such, this alteration is interpreted as a disease-causing mutation.

Quest Diagnostics Nichols Institute San Juan Capistrano
Classification: Pathogenic. Last evaluated: 2023-10-19. Review status: criteria provided, single submitter. Criteria: Quest Diagnostics criteria. Collection method: clinical testing. Allele origin: unknown.
Comment: The FLCN c.1305del (p.Phe435Leufs*33) variant alters the translational reading frame of the FLCN mRNA and causes the premature termination of FLCN protein synthesis. This variant has been reported in the published literature in an individual with Birt-Hogg-Dube (BHD) syndrome (PMID: 15852235 (2005)). This variant has not been reported in large, multi-ethnic general populations (Genome Aggregation Database). Based on the available information, this variant is classified as pathogenic.

Myriad Genetics, Inc.
Classification: Pathogenic for Birt-Hogg-Dube syndrome 1. Last evaluated: 2023-07-07. Review status: criteria provided, single submitter. Criteria: Myriad Autosomal Dominant, Autosomal Recessive and X-Linked Classification Criteria (2023). Collection method: clinical testing. Allele origin: unknown.
Comment: This variant is considered pathogenic. This variant creates a frameshift predicted to result in premature protein truncation.

CeGaT Center for Human Genetics Tuebingen
Classification: Pathogenic. Last evaluated: 2023-05-01. Review status: criteria provided, single submitter. Criteria: CeGaT Center For Human Genetics Tuebingen Variant Classification Criteria Version 2. Collection method: clinical testing. Allele origin: germline. Affected: yes. Observed: 2 variant alleles.
Comment: FLCN: PVS1, PM2

Institute of Medical Genetics and Applied Genomics, University Hospital Tübingen
Classification: Pathogenic for Birt-Hogg-Dube syndrome 1. Last evaluated: 2023-03-02. Review status: criteria provided, single submitter. Criteria: ACMG Guidelines, 2015. Collection method: clinical testing. Allele origin: germline. Inheritance: Autosomal dominant inheritance. Affected: yes.

Eurofins Ntd Llc (ga)
Classification: Pathogenic. Last evaluated: 2013-01-22. Review status: criteria provided, single submitter. Criteria: EGL Classification Definitions 2015. Collection method: clinical testing. Allele origin: germline. Observed: 4 variant alleles, 4 heterozygotes.

Literature cited by the submitters: PubMed 15852235 (cited by 3 submitters).

NM_144997.7(FLCN):c.1305del (p.Phe435fs)

Gene: FLCN (folliculin; minus strand). Cytogenetic location: 17p11.2.
Variant type: Deletion.
Coding change: c.1305del on transcript NM_144997.7 (MANE Select); coding-DNA position 1305, one base deleted (T; older notation c.1305delT).
Protein change: p.Phe435fs; shifts the reading frame from phenylalanine 435.
Molecular consequence: frameshift variant.
Genome position (GRCh38, 1-based): chr17:17,215,312, A deleted on the plus strand (T on the coding strand, the reverse complement: FLCN is on the minus strand); the first of 3 consecutive A bases (chr17:17,215,312-17,215,314); deleting any one gives the same sequence. VCF-style (leftmost placement, unchanged base first): chr17-17215311-CA-C. GRCh37 (hg19) VCF-style: chr17-17118625-CA-C.
Other names: c.1305del (LRG_325t1, NM_144997.5, NM_144997.6); c.1359del, p.Phe453fs (NM_001353229.2); c.1305del, p.Phe435fs (NM_001353230.2, NM_001353231.2); short protein forms F435fs, F453fs.
Identifiers: ClinVar variation 96475 (VCV000096475.46), dbSNP rs398124527, ClinGen allele CA224155.